The following is an entry in ClinVar:

ClinVar aggregate classification (germline): Pathogenic (1 of 4 stars; one submission).

Submission:

Labcorp Genetics (formerly Invitae), Labcorp
Classification: Pathogenic. Last evaluated: 2024-01-21. Review status: criteria provided, single submitter. Criteria: Invitae Variant Classification Sherloc (09022015). Collection method: clinical testing. Allele origin: germline.
Comment: This sequence change replaces serine, which is neutral and polar, with arginine, which is basic and polar, at codon 1518 of the ABCA4 protein (p.Ser1518Arg). This variant is not present in population databases (gnomAD no frequency). This missense change has been observed in individual(s) with Stargardt disease (PMID: 29925512). Advanced modeling of protein sequence and biophysical properties (such as structural, functional, and spatial information, amino acid conservation, physicochemical variation, residue mobility, and thermodynamic stability) performed at Invitae indicates that this missense variant is expected to disrupt ABCA4 protein function with a positive predictive value of 95%. This variant disrupts the p.Ser1518 amino acid residue in ABCA4. Other variant(s) that disrupt this residue have been determined to be pathogenic (PMID: 29925512, 31674661). This suggests that this residue is clinically significant, and that variants that disrupt this residue are likely to be disease-causing. For these reasons, this variant has been classified as Pathogenic.

Literature cited by the submitters: PubMed 29925512; PubMed 31674661.

NM_000350.3(ABCA4):c.4552A>C (p.Ser1518Arg)

Gene: ABCA4 (ATP binding cassette subfamily A member 4; minus strand). Cytogenetic location: 1p22.1.
Variant type: single nucleotide variant.
Coding change: c.4552A>C on transcript NM_000350.3 (MANE Select); coding-DNA position 4552, A replaced by C.
Protein change: p.Ser1518Arg; replaces serine 1518 with arginine.
Molecular consequence: missense variant.
Genome position (GRCh38, 1-based): chr1:94,025,036, T>G on the plus strand (A>C on the coding strand, the complement: ABCA4 is on the minus strand). VCF-style: chr1-94025036-T-G. GRCh37 (hg19) VCF-style: chr1-94490592-T-G.
Other names: c.4330A>C, p.Ser1444Arg (NM_001425324.1); short protein forms S1518R, S1444R.
Identifiers: ClinVar variation 2733922 (VCV002733922.3), dbSNP rs2523707283, ClinGen allele CA341284729.